The following is an entry in ClinVar:

NM_001083111.2(GNRH1):c.143T>G (p.Ile48Arg)

Gene: GNRH1 (gonadotropin releasing hormone 1; minus strand). Cytogenetic location: 8p21.2.
Variant type: single nucleotide variant.
Coding change: c.143T>G on transcript NM_001083111.2 (MANE Select); coding-DNA position 143, T replaced by G.
Protein change: p.Ile48Arg; replaces isoleucine 48 with arginine.
Molecular consequence: missense variant.
Genome position (GRCh38, 1-based): chr8:25,421,667, A>C on the plus strand (T>G on the coding strand, the complement: GNRH1 is on the minus strand). VCF-style: chr8-25421667-A-C. GRCh37 (hg19) VCF-style: chr8-25279183-A-C.
Other names: c.155T>G, p.Ile52Arg (NM_000825.3); short protein forms I48R, I52R.
Identifiers: ClinVar variation 1344749 (VCV001344749.3), dbSNP rs201184458, ClinGen allele CA4683646.

ClinVar aggregate classification (germline): Uncertain significance. Review status: criteria provided, single submitter (1 of 4 stars). 2 submissions from 2 submitters: Uncertain significance (1). 1 of the submissions does not count toward it. Last evaluated 2025-02-13.

Conditions:
Amenorrhea. Identifiers: MedGen C0002453, MONDO:0001836, HP:0000141.

Allele frequency attached by ClinVar (database versions not stated): ESP Exome Variant Server 0.00016; gnomAD 0.00002.

Submissions (2):

Labcorp Genetics (formerly Invitae), Labcorp
Classification: Uncertain significance. Last evaluated: 2025-02-13. Review status: criteria provided, single submitter. Criteria: Invitae Variant Classification Sherloc (09022015). Collection method: clinical testing. Allele origin: germline.
Comment: This sequence change replaces isoleucine, which is neutral and non-polar, with arginine, which is basic and polar, at codon 52 of the GNRH1 protein (p.Ile52Arg). This variant is present in population databases (rs201184458, gnomAD 0.007%). This missense change has been observed in individual(s) with hypothalamic amenorrhea (PMID: 32870266). ClinVar contains an entry for this variant (Variation ID: 1344749). An algorithm developed to predict the effect of missense changes on protein structure and function outputs the following: PolyPhen-2: "Not Available". The arginine amino acid residue is found in multiple mammalian species, which suggests that this missense change does not adversely affect protein function. In summary, the available evidence is currently insufficient to determine the role of this variant in disease. Therefore, it has been classified as a Variant of Uncertain Significance.

Yale Center for Mendelian Genomics, Yale University
Classification: Uncertain significance for Amenorrhea. Last evaluated: 2021-03-08. Review status: no assertion criteria provided. Collection method: literature only. Allele origin: unknown. Affected: yes. Observed: 1 heterozygote. Study: Yale Center for Mendelian Genomics. Not counted in ClinVar's aggregate classification.

Literature cited by the submitters: PubMed 32870266 (cited by Labcorp Genetics (formerly Invitae), Labcorp and Yale Center for Mendelian Genomics, Yale University).